The following is an entry in ClinVar:

NM_006015.6(ARID1A):c.22G>A (p.Ala8Thr)

Gene: ARID1A (AT-rich interaction domain 1A; plus strand). Cytogenetic location: 1p36.11.
Variant type: single nucleotide variant.
Coding change: c.22G>A on transcript NM_006015.6 (MANE Select); coding-DNA position 22, G replaced by A.
Protein change: p.Ala8Thr; replaces alanine 8 with threonine.
Molecular consequence: missense variant.
Genome position (GRCh38, 1-based): chr1:26,696,425, G>A. VCF-style: chr1-26696425-G-A. GRCh37 (hg19) VCF-style: chr1-27022916-G-A.
Other names: c.22G>A, p.Ala8Thr (NM_139135.4); short protein forms A8T.
Identifiers: ClinVar variation 1312908 (VCV001312908.3), dbSNP rs1296885198, ClinGen allele CA339264219.

ClinVar aggregate classification (germline): Uncertain significance. Review status: criteria provided, multiple submitters, no conflicts (2 of 4 stars). 2 submissions from 2 submitters: Uncertain significance (2). Last evaluated 2024-10-24.

Conditions:
Intellectual disability, autosomal dominant 14 (CSS2). Also called: COFFIN-SIRIS SYNDROME 2. Identifiers: Orphanet 1465, MedGen C3553247, MONDO:0013819, OMIM 614607.

Allele frequency attached by ClinVar (database versions not stated): gnomAD exomes 0.00006.

Submissions (2):

Laboratorio de Genetica e Diagnostico Molecular, Hospital Israelita Albert Einstein
Classification: Uncertain significance for Intellectual disability, autosomal dominant 14. Last evaluated: 2024-10-24. Review status: criteria provided, single submitter. Criteria: ACMG Guidelines, 2015. Collection method: clinical testing. Allele origin: germline. Affected: yes.
Comment: ACMG classification criteria: PM2 supporting, BP4 supporting

GeneDx
Classification: Uncertain significance. Last evaluated: 2020-07-06. Review status: criteria provided, single submitter. Criteria: GeneDx Variant Classification Process June 2021. Collection method: clinical testing. Allele origin: germline. Affected: yes.
Comment: In silico analysis supports that this missense variant does not alter protein structure/function; Has not been previously published as pathogenic or benign to our knowledge